The following is an entry in ClinVar:

NM_000069.3(CACNA1S):c.4034C>T (p.Ala1345Val)

Gene: CACNA1S (calcium voltage-gated channel subunit alpha1 S; minus strand). Cytogenetic location: 1q32.1.
Variant type: single nucleotide variant.
Coding change: c.4034C>T on transcript NM_000069.3 (MANE Select); coding-DNA position 4034, C replaced by T.
Protein change: p.Ala1345Val; replaces alanine 1345 with valine.
Molecular consequence: missense variant.
Genome position (GRCh38, 1-based): chr1:201,051,063, G>A on the plus strand (C>T on the coding strand, the complement: CACNA1S is on the minus strand). VCF-style: chr1-201051063-G-A. GRCh37 (hg19) VCF-style: chr1-201020191-G-A.
Other names: short protein forms A1345V.
Identifiers: ClinVar variation 1175754 (VCV001175754.38), dbSNP rs763153237, ClinGen allele CA083047.

ClinVar aggregate classification (germline): Uncertain significance. Review status: criteria provided, multiple submitters, no conflicts (2 of 4 stars). 3 submissions from 3 submitters: Uncertain significance (3). Last evaluated 2024-11-01.

Conditions:
Malignant hyperthermia, susceptibility to, 5 (MHS5). Also called: CACNA1S-Related Malignant Hyperthermia Susceptibility. Identifiers: Orphanet 423, MedGen C1866077, MONDO:0011163, OMIM 601887.

Allele frequency attached by ClinVar (database versions not stated): gnomAD exomes 0.00001 and 0.00002; TOPMed 0.00002; ExAC 0.00001; gnomAD 0.00001.
gnomAD v4.1: 10 of 1,614,048 alleles (0.00062%); highest among the groups gnomAD compares: Non-Finnish European, 0.00076%; no homozygotes.

Submissions (3):

CeGaT Center for Human Genetics Tuebingen
Classification: Uncertain significance. Last evaluated: 2024-11-01. Review status: criteria provided, single submitter. Criteria: CeGaT Center For Human Genetics Tuebingen Variant Classification Criteria Version 2. Collection method: clinical testing. Allele origin: germline. Affected: yes. Observed: 2 variant alleles.

All of Us Research Program, National Institutes of Health
Classification: Uncertain significance for Malignant hyperthermia, susceptibility to, 5. Last evaluated: 2024-07-29. Review status: criteria provided, single submitter. Criteria: ACMG Guidelines, 2015. Collection method: clinical testing. Allele origin: germline. Inheritance: Autosomal dominant inheritance. Observed: 6 variant alleles, 6 heterozygotes.
Comment: This missense variant replaces alanine with valine at codon 1345 of the CACNA1S protein. Computational prediction suggests that this variant may not impact protein structure and function (internally defined REVEL score threshold <= 0.5, PMID: 27666373). To our knowledge, functional studies have not been reported for this variant. This variant has not been reported in individuals affected with CACNA1S-related disorders in the literature. This variant has been identified in 5/251488 chromosomes in the general population by the Genome Aggregation Database (gnomAD). The available evidence is insufficient to determine the role of this variant in disease conclusively. Therefore, this variant is classified as a Variant of Uncertain Significance.

This study involves interpretation of variants in research participants for the purpose of population health screening. Participant phenotype was not available at the time of variant classification. Additional details can be found in publication PMID: 35346344, PMCID: PMC8962531

Color Diagnostics, LLC DBA Color Health
Classification: Uncertain significance for Malignant hyperthermia, susceptibility to, 5. Last evaluated: 2024-03-11. Review status: criteria provided, single submitter. Criteria: ACMG Guidelines, 2015. Collection method: clinical testing. Allele origin: germline.
Comment: This missense variant replaces alanine with valine at codon 1345 of the CACNA1S protein. Computational prediction suggests that this variant may not impact protein structure and function (internally defined REVEL score threshold <= 0.5, PMID: 27666373). To our knowledge, functional studies have not been reported for this variant. This variant has not been reported in individuals affected with CACNA1S-related disorders in the literature. This variant has been identified in 5/251488 chromosomes in the general population by the Genome Aggregation Database (gnomAD). The available evidence is insufficient to determine the role of this variant in disease conclusively. Therefore, this variant is classified as a Variant of Uncertain Significance.